The following is an entry in ClinVar:

NM_024675.4(PALB2):c.3386C>T (p.Ala1129Val)

Gene: PALB2 (partner and localizer of BRCA2; minus strand). Cytogenetic location: 16p12.2.
Variant type: single nucleotide variant.
Coding change: c.3386C>T on transcript NM_024675.4 (MANE Select); coding-DNA position 3386, C replaced by T.
Protein change: p.Ala1129Val; replaces alanine 1129 with valine.
Molecular consequence: missense variant.
Genome position (GRCh38, 1-based): chr16:23,603,634, G>A on the plus strand (C>T on the coding strand, the complement: PALB2 is on the minus strand). VCF-style: chr16-23603634-G-A. GRCh37 (hg19) VCF-style: chr16-23614955-G-A.
Other names: short protein forms A1129V.
Identifiers: ClinVar variation 560876 (VCV000560876.14), dbSNP rs1567205179, ClinGen allele CA395138274.

ClinVar aggregate classification (germline): Uncertain significance. Review status: criteria provided, multiple submitters, no conflicts (2 of 4 stars). 3 submissions from 3 submitters: Uncertain significance (3). Last evaluated 2024-03-04.

Conditions:
Familial cancer of breast. Also called: BREAST CANCER, FAMILIAL; hereditary breast carcinoma; Hereditary breast cancer. Identifiers: Orphanet 227535, MedGen C0346153, MONDO:0016419, OMIM 114480. Disease mechanism: loss of function.

Allele frequency attached by ClinVar (database versions not stated): gnomAD exomes below 0.00001.

Submissions (3):

Labcorp Genetics (formerly Invitae), Labcorp
Classification: Uncertain significance for Familial cancer of breast. Last evaluated: 2024-03-04. Review status: criteria provided, single submitter. Criteria: Invitae Variant Classification Sherloc (09022015). Collection method: clinical testing. Allele origin: germline.
Comment: This sequence change replaces alanine, which is neutral and non-polar, with valine, which is neutral and non-polar, at codon 1129 of the PALB2 protein (p.Ala1129Val). This variant is not present in population databases (gnomAD no frequency). This missense change has been observed in individual(s) with clinical features of PALB2-related conditions (Invitae). ClinVar contains an entry for this variant (Variation ID: 560876). An algorithm developed to predict the effect of missense changes on protein structure and function (PolyPhen-2) suggests that this variant is likely to be disruptive. In summary, the available evidence is currently insufficient to determine the role of this variant in disease. Therefore, it has been classified as a Variant of Uncertain Significance.

Genetics and Molecular Pathology, SA Pathology
Classification: Uncertain significance for Familial cancer of breast. Last evaluated: 2022-05-25. Review status: criteria provided, single submitter. Criteria: ACMG Guidelines, 2015. Collection method: clinical testing. Allele origin: germline. Affected: yes.

PreventionGenetics, part of Exact Sciences
Classification: Uncertain significance. Last evaluated: 2017-12-11. Review status: criteria provided, single submitter. Criteria: ACMG Guidelines, 2015. Collection method: clinical testing. Allele origin: germline.